The following is an entry in ClinVar:

ClinVar aggregate classification (germline): Uncertain significance. Review status: criteria provided, multiple submitters, no conflicts (2 of 4 stars). 2 submissions from 2 submitters: Uncertain significance (2). Last evaluated 2022-04-02.

Conditions:
Inborn genetic diseases. Identifiers: MedGen C0950123, MeSH D030342.

Allele frequency attached by ClinVar (database versions not stated): ExAC 0.00001; gnomAD exomes 0.00001.

Submissions (2):

Labcorp Genetics (formerly Invitae), Labcorp
Classification: Uncertain significance. Last evaluated: 2022-04-02. Review status: criteria provided, single submitter. Criteria: Invitae Variant Classification Sherloc (09022015). Collection method: clinical testing. Allele origin: germline.
Comment: This variant has not been reported in the literature in individuals affected with ADAMTS13-related conditions. This variant is present in population databases (rs782189279, gnomAD 0.01%). This sequence change replaces serine, which is neutral and polar, with alanine, which is neutral and non-polar, at codon 922 of the ADAMTS13 protein (p.Ser922Ala). Algorithms developed to predict the effect of missense changes on protein structure and function output the following: SIFT: "Tolerated"; PolyPhen-2: "Benign"; Align-GVGD: "Class C0". The alanine amino acid residue is found in multiple mammalian species, which suggests that this missense change does not adversely affect protein function. In summary, the available evidence is currently insufficient to determine the role of this variant in disease. Therefore, it has been classified as a Variant of Uncertain Significance. Algorithms developed to predict the effect of sequence changes on RNA splicing suggest that this variant may disrupt the consensus splice site.

Ambry Genetics
Classification: Uncertain significance for Inborn genetic diseases. Last evaluated: 2021-08-13. Review status: criteria provided, single submitter. Criteria: Ambry Variant Classification Scheme 2023. Collection method: clinical testing. Allele origin: germline.

NM_139027.6(ADAMTS13):c.2764T>G (p.Ser922Ala)

Gene: ADAMTS13 (ADAM metallopeptidase with thrombospondin type 1 motif 13; plus strand). Cytogenetic location: 9q34.2.
Variant type: single nucleotide variant.
Coding change: c.2764T>G on transcript NM_139027.6 (MANE Select); coding-DNA position 2764, T replaced by G.
Protein change: p.Ser922Ala; replaces serine 922 with alanine.
Molecular consequence: missense variant. On other transcripts: non-coding transcript variant (1).
Genome position (GRCh38, 1-based): chr9:133,448,631, T>G. VCF-style: chr9-133448631-T-G. GRCh37 (hg19) VCF-style: chr9-136313752-T-G.
Other names: c.2764T>G, p.Ser922Ala (NM_139025.5); c.2671T>G, p.Ser891Ala (NM_139026.6); short protein forms S891A, S922A.
Identifiers: ClinVar variation 2063501 (VCV002063501.5), dbSNP rs782189279, ClinGen allele CA200939007.